The following is an entry in ClinVar:

NM_015599.3(PGM3):c.1354_1358del (p.Leu452fs)

Gene: PGM3 (phosphoglucomutase 3; minus strand). Cytogenetic location: 6q14.1.
Variant type: Deletion.
Coding change: c.1354_1358del on transcript NM_015599.3 (MANE Select); coding-DNA positions 1354 to 1358, 5 bases deleted (CTTAA; older notation c.1354_1358delCTTAA).
Protein change: p.Leu452fs; shifts the reading frame from leucine 452.
Molecular consequence: frameshift variant. On other transcripts: non-coding transcript variant (1), intron variant (1).
Genome position (GRCh38, 1-based): chr6:83,171,944-83,171,948, TTAAG deleted on the plus strand (CTTAA on the coding strand, the reverse complement: PGM3 is on the minus strand); deleting any 5 consecutive bases within chr6:83,171,944-83,171,950 gives the same sequence; the c. name uses the placement nearest the transcript's 3' end. VCF-style (leftmost placement, unchanged base first): chr6-83171943-TTTAAG-T. GRCh37 (hg19) VCF-style: chr6-83881662-TTTAAG-T.
Other names: c.1438_1442del, p.Leu480fs (NM_001199917.2, NM_001367287.1); c.1111_1115del, p.Leu371fs (NM_001199918.2); c.1354_1358del, p.Leu452fs (NM_001199919.2); c.1243-1470_1243-1466del (NM_001367286.1); short protein forms L480fs, L371fs, L452fs.
Identifiers: ClinVar variation 133317 (VCV000133317.13), dbSNP rs587777414, ClinGen allele CA156412.
Genomic context (GRCh38, chr6:83,171,943, plus strand): 5'-ATAGGTTTTACTTAGCTAATATTCAAAAAAGTTACTTTAAAGTTTCTCTCACACCTGAAC[TTTAAG>T]TTGTCTGTTTGGAAGATCTGTATAGAGAGCATCCCACTGTTGTACAGTCAAGCCCTTCAG-3'

ClinVar aggregate classification (germline): Pathogenic. Review status: criteria provided, multiple submitters, no conflicts (2 of 4 stars). 4 submissions from 4 submitters: Pathogenic (3). 1 of the submissions does not count toward it. Last evaluated 2026-04-06.

Conditions:
PGM3-related disorder. Also called: PGM3-related condition.
Immunodeficiency 23 (IMD23). Also called: IMMUNODEFICIENCY WITH HYPER IgE AND COGNITIVE IMPAIRMENT; IMMUNODEFICIENCY-VASCULITIS-MYOCLONUS SYNDROME. Identifiers: Orphanet 443811, MedGen C4014371, MONDO:0014353, OMIM 615816.

Submissions (4):

GeneDx
Classification: Pathogenic. Last evaluated: 2026-04-06. Review status: criteria provided, single submitter. Criteria: GeneDx Variant Classification Process June 2021. Collection method: clinical testing. Allele origin: germline.
Comment: Frameshift variant predicted to result in protein truncation or nonsense mediated decay in a gene for which loss of function is a known mechanism of disease; Not observed at significant frequency in large population cohorts (gnomAD); This variant is associated with the following publications: (PMID: 39776909, 41608055, 24589341)

Labcorp Genetics (formerly Invitae), Labcorp
Classification: Pathogenic for Immunodeficiency 23. Last evaluated: 2025-03-03. Review status: criteria provided, single submitter. Criteria: Invitae Variant Classification Sherloc (09022015). Collection method: clinical testing. Allele origin: germline.
Comment: This sequence change creates a premature translational stop signal (p.Leu480Serfs*10) in the PGM3 gene. It is expected to result in an absent or disrupted protein product. Loss-of-function variants in PGM3 are known to be pathogenic (PMID: 17548465, 24589341, 24931394). This variant is present in population databases (rs587777414, gnomAD 0.003%). This premature translational stop signal has been observed in individual(s) with PGM3-congenital disorder of glycosylation (CDG) (PMID: 24589341). It has also been observed to segregate with disease in related individuals. ClinVar contains an entry for this variant (Variation ID: 133317). For these reasons, this variant has been classified as Pathogenic.

Blueprint Genetics
Classification: Pathogenic for PGM3-related disorders. Last evaluated: 2022-09-21. Review status: criteria provided, single submitter. Criteria: ACMG Guidelines, 2015. Collection method: clinical testing. Allele origin: germline. Affected: yes. Observed: 4 variant alleles.

OMIM
Classification: Pathogenic for IMMUNODEFICIENCY 23. Last evaluated: 2014-05-01. Review status: no assertion criteria provided. Collection method: literature only. Allele origin: germline. Not counted in ClinVar's aggregate classification.

Literature cited by the submitters: PubMed 17548465 (cited by Labcorp Genetics (formerly Invitae), Labcorp); PubMed 24589341 (cited by Labcorp Genetics (formerly Invitae), Labcorp and OMIM); PubMed 24931394 (cited by Labcorp Genetics (formerly Invitae), Labcorp).